The following is an entry in ClinVar:

NM_002878.4(RAD51D):c.738+10C>A

Genes: RAD51D (RAD51 paralog D; minus strand), RAD51L3-RFFL (RAD51L3-RFFL readthrough; minus strand). Cytogenetic location: 17q12.
Variant type: single nucleotide variant.
Coding change: c.738+10C>A on transcript NM_002878.4 (MANE Select); 10 bases into the intron after coding-DNA position 738, C replaced by A.
Molecular consequence: intron variant.
Genome position (GRCh38, 1-based): chr17:35,103,244, G>T on the plus strand (C>A on the coding strand, the complement: RAD51D is on the minus strand). VCF-style: chr17-35103244-G-T. GRCh37 (hg19) VCF-style: chr17-33430263-G-T.
Other names: c.402+10C>A (NM_133629.3); c.798+10C>A (NM_001142571.2).
Identifiers: ClinVar variation 472621 (VCV000472621.15), dbSNP rs777453585, ClinGen allele CA289994141.

ClinVar aggregate classification (germline): Conflicting classifications of pathogenicity. Review status: criteria provided, conflicting classifications (1 of 4 stars). 4 submissions from 4 submitters: Uncertain significance (1); Likely benign (3). Last evaluated 2025-05-12.

Conditions:
Hereditary cancer-predisposing syndrome. Also called: Neoplastic Syndromes, Hereditary; Tumor predisposition; Hereditary Cancer Syndrome; Hereditary neoplastic syndrome. Identifiers: Orphanet 140162, MedGen C0027672, MeSH D009386, MONDO:0015356.
Breast-ovarian cancer, familial, susceptibility to, 4. Identifiers: Orphanet 145, MedGen C3280345, MONDO:0013669, OMIM 614291.

Allele frequency attached by ClinVar (database versions not stated): TOPMed below 0.00001.

Submissions (4):

Labcorp Genetics (formerly Invitae), Labcorp
Classification: Likely benign for Breast-ovarian cancer, familial, susceptibility to, 4. Last evaluated: 2025-05-12. Review status: criteria provided, single submitter. Criteria: Invitae Variant Classification Sherloc (09022015). Collection method: clinical testing. Allele origin: germline.

Myriad Genetics, Inc.
Classification: Likely benign for Breast-ovarian cancer, familial, susceptibility to, 4. Last evaluated: 2025-02-24. Review status: criteria provided, single submitter. Criteria: Myriad Autosomal Dominant, Autosomal Recessive and X-Linked Classification Criteria (2023). Collection method: clinical testing. Allele origin: unknown.
Comment: This variant is considered likely benign. This variant is intronic and is not expected to impact mRNA splicing.

Mendelics
Classification: Uncertain significance. Last evaluated: 2022-05-04. Review status: criteria provided, single submitter. Criteria: Mendelics Assertion Criteria 2019. Collection method: clinical testing. Allele origin: germline.

Color Diagnostics, LLC DBA Color Health
Classification: Likely benign for Hereditary cancer-predisposing syndrome. Last evaluated: 2019-04-22. Review status: criteria provided, single submitter. Criteria: ACMG Guidelines, 2015. Collection method: clinical testing. Allele origin: germline.